The following is an entry in ClinVar:

ClinVar aggregate classification (germline): Likely benign. Review status: criteria provided, multiple submitters, no conflicts (2 of 4 stars). 4 submissions from 4 submitters: Likely benign (3). 1 of the submissions does not count toward it. Last evaluated 2024-03-21.

Conditions:
Inborn genetic diseases. Identifiers: MedGen C0950123, MeSH D030342.
LRRK2-related disorder. Also called: LRRK2-related condition.
Autosomal dominant Parkinson disease 8. Also called: LRRK2-Related Parkinson Disease; Parkinson disease 8; Parkinson disease 8, susceptibility to. Identifiers: Orphanet 411602, MedGen C1846862, MONDO:0011764, OMIM 607060.

Allele frequency attached by ClinVar (database versions not stated): TOPMed 0.00003; gnomAD 0.00005 and 0.00007.
gnomAD v4.1: 95 of 1,611,558 alleles (0.0059%); highest among the groups gnomAD compares: South Asian, 0.063%; no homozygotes.

Submissions (4):

Labcorp Genetics (formerly Invitae), Labcorp
Classification: Likely benign for Autosomal dominant Parkinson disease 8. Last evaluated: 2024-03-21. Review status: criteria provided, single submitter. Criteria: Invitae Variant Classification Sherloc (09022015). Collection method: clinical testing. Allele origin: germline.

CeGaT Center for Human Genetics Tuebingen
Classification: Likely benign. Last evaluated: 2023-03-01. Review status: criteria provided, single submitter. Criteria: CeGaT Center For Human Genetics Tuebingen Variant Classification Criteria Version 2. Collection method: clinical testing. Allele origin: germline. Affected: yes. Observed: 1 variant allele.
Comment: LRRK2: BP4, BP7

Ambry Genetics
Classification: Likely benign for Inborn genetic diseases. Last evaluated: 2022-02-16. Review status: criteria provided, single submitter. Criteria: Ambry Variant Classification Scheme 2023. Collection method: clinical testing. Allele origin: germline.

PreventionGenetics, part of Exact Sciences
Classification: Likely benign for LRRK2-related condition. Last evaluated: 2019-02-21. Review status: no assertion criteria provided. Collection method: clinical testing. Allele origin: germline. Not counted in ClinVar's aggregate classification.
Comment: This variant is classified as likely benign based on ACMG/AMP sequence variant interpretation guidelines (Richards et al. 2015 PMID: 25741868, with internal and published modifications).

NM_198578.4(LRRK2):c.4881G>A (p.Ser1627=)

Gene: LRRK2 (leucine rich repeat kinase 2; plus strand). Cytogenetic location: 12q12.
Variant type: single nucleotide variant.
Coding change: c.4881G>A on transcript NM_198578.4 (MANE Select); coding-DNA position 4881, G replaced by A.
Protein change: p.Ser1627=; no amino-acid change (serine 1627 retained).
Molecular consequence: synonymous variant.
Genome position (GRCh38, 1-based): chr12:40,320,041, G>A. VCF-style: chr12-40320041-G-A. GRCh37 (hg19) VCF-style: chr12-40713843-G-A.
Identifiers: ClinVar variation 695696 (VCV000695696.37), dbSNP rs767307387, ClinGen allele CA6514312.
Genomic context (GRCh38, chr12:40,320,041, plus strand): 5'-CTTTCAGATTTTGACAGTGAAAGTGGAAGGTTGTCCAAAACACCCTAAGGGCATTATTTC[G>A]CGTAGAGATGTGGAAAAATTTCTTTCAAAAAAAAGGAAATTTCCAAAGAACTACATGTCA-3'
Protein context (NP_940980.4, residues 1617-1637): GCPKHPKGII[Ser1627=]RRDVEKFLSK